The following is an entry in ClinVar:

NM_024529.5(CDC73):c.845C>G (p.Thr282Ser)

Gene: CDC73 (cell division cycle 73; plus strand). Cytogenetic location: 1q31.2.
Variant type: single nucleotide variant.
Coding change: c.845C>G on transcript NM_024529.5 (MANE Select); coding-DNA position 845, C replaced by G.
Protein change: p.Thr282Ser; replaces threonine 282 with serine.
Molecular consequence: missense variant.
Genome position (GRCh38, 1-based): chr1:193,150,320, C>G. VCF-style: chr1-193150320-C-G. GRCh37 (hg19) VCF-style: chr1-193119450-C-G.
Other names: short protein forms T282S.
Identifiers: ClinVar variation 403900 (VCV000403900.9), dbSNP rs369024183, ClinGen allele CA16609988.
Genomic context (GRCh38, chr1:193,150,320, plus strand): 5'-ATTTAAAAATATTAACAAGTAACTCATAATTAATTTTTTTACAGGATCCCACTTTGCGCA[C>G]CAAACAGCCTATCCCAGCTGCCTATAACAGATACGATCAGGAAAGATTCAAAGGAAAAGA-3'
Protein context (NP_078805.3, residues 272-292): NAAPVDPTLR[Thr282Ser]KQPIPAAYNR

ClinVar aggregate classification (germline): Uncertain significance. Review status: criteria provided, multiple submitters, no conflicts (2 of 4 stars). 2 submissions from 2 submitters: Uncertain significance (2). Last evaluated 2025-09-26.

Conditions:
Hereditary cancer-predisposing syndrome. Also called: Neoplastic Syndromes, Hereditary; Hereditary Cancer Syndrome; Tumor predisposition; Hereditary neoplastic syndrome. Identifiers: Orphanet 140162, MedGen C0027672, MeSH D009386, MONDO:0015356.
Parathyroid carcinoma (PRTC). Also called: CDC73-Related Parathyroid Carcinoma; Parathyroid gland carcinoma. Identifiers: Orphanet 143, MedGen C0687150, MONDO:0012004, OMIM 608266, HP:0006780.

Allele frequency attached by ClinVar (database versions not stated): gnomAD 0.00001; TOPMed 0.00001; 1000 Genomes Project 30x 0.00016; 1000 Genomes Project 0.00020.
gnomAD v4.1: 1 of 1,611,842 alleles (0.000062%); highest among the groups gnomAD compares: East Asian, 0.0022%; no homozygotes.

Submissions (2):

Ambry Genetics
Classification: Uncertain significance for Hereditary cancer-predisposing syndrome. Last evaluated: 2025-09-26. Review status: criteria provided, single submitter. Criteria: Ambry Variant Classification Scheme 2023. Collection method: clinical testing. Allele origin: germline.
Comment: The p.T282S variant (also known as c.845C>G), located in coding exon 9 of the CDC73 gene, results from a C to G substitution at nucleotide position 845. The threonine at codon 282 is replaced by serine, an amino acid with similar properties. This amino acid position is conserved. In addition, this alteration is predicted to be tolerated by in silico analysis. Since supporting evidence is limited at this time, the clinical significance of this alteration remains unclear.

Labcorp Genetics (formerly Invitae), Labcorp
Classification: Uncertain significance for Parathyroid carcinoma. Last evaluated: 2024-07-10. Review status: criteria provided, single submitter. Criteria: Invitae Variant Classification Sherloc (09022015). Collection method: clinical testing. Allele origin: germline.
Comment: This sequence change replaces threonine, which is neutral and polar, with serine, which is neutral and polar, at codon 282 of the CDC73 protein (p.Thr282Ser). This variant is not present in population databases (gnomAD no frequency). This variant has not been reported in the literature in individuals affected with CDC73-related conditions. ClinVar contains an entry for this variant (Variation ID: 403900). Advanced modeling of protein sequence and biophysical properties (such as structural, functional, and spatial information, amino acid conservation, physicochemical variation, residue mobility, and thermodynamic stability) performed at Invitae indicates that this missense variant is not expected to disrupt CDC73 protein function with a negative predictive value of 80%. In summary, the available evidence is currently insufficient to determine the role of this variant in disease. Therefore, it has been classified as a Variant of Uncertain Significance.